The following is an entry in ClinVar:

ClinVar aggregate classification (germline): Uncertain significance (1 of 4 stars; one submission).

Conditions:
Wilms tumor 1 (WT1). Also called: Wilms tumor, somatic. Identifiers: Orphanet 654, MedGen CN033288, MONDO:0008679, OMIM 194070.

Submission:

Labcorp Genetics (formerly Invitae), Labcorp
Classification: Uncertain significance for Wilms tumor 1. Last evaluated: 2021-05-17. Review status: criteria provided, single submitter. Criteria: Invitae Variant Classification Sherloc (09022015). Collection method: clinical testing. Allele origin: germline.
Comment: This variant is not present in population databases (ExAC no frequency). This sequence change replaces glycine with serine at codon 288 of the GPC3 protein (p.Gly288Ser). The glycine residue is highly conserved and there is a small physicochemical difference between glycine and serine. This variant has not been reported in the literature in individuals with GPC3-related conditions. Algorithms developed to predict the effect of missense changes on protein structure and function output the following: SIFT: "Tolerated"; PolyPhen-2: "Benign"; Align-GVGD: "Class C0". The serine amino acid residue is found in multiple mammalian species, suggesting that this missense change does not adversely affect protein function. These predictions have not been confirmed by published functional studies and their clinical significance is uncertain. In summary, the available evidence is currently insufficient to determine the role of this variant in disease. Therefore, it has been classified as a Variant of Uncertain Significance.

NM_004484.4(GPC3):c.862G>A (p.Gly288Ser)

Gene: GPC3 (glypican 3; minus strand). Cytogenetic location: Xq26.2.
Variant type: single nucleotide variant.
Coding change: c.862G>A on transcript NM_004484.4 (MANE Select); coding-DNA position 862, G replaced by A.
Protein change: p.Gly288Ser; replaces glycine 288 with serine.
Molecular consequence: missense variant.
Genome position (GRCh38, 1-based): chrX:133,753,652, C>T on the plus strand (G>A on the coding strand, the complement: GPC3 is on the minus strand). VCF-style: chrX-133753652-C-T. GRCh37 (hg19) VCF-style: chrX-132887679-C-T.
Other names: c.862G>A, p.Gly288Ser (NM_001164617.2); c.814G>A, p.Gly272Ser (NM_001164618.2); c.700G>A, p.Gly234Ser (NM_001164619.2); short protein forms G234S, G272S, G288S.
Identifiers: ClinVar variation 1476121 (VCV001476121.8), dbSNP rs2124480046, ClinGen allele CA414705503.